The following is an entry in ClinVar:

ClinVar aggregate classification (germline): Uncertain significance (1 of 4 stars; one submission).

Allele frequency attached by ClinVar (database versions not stated): gnomAD exomes 0.00001.
gnomAD v4.1: 8 of 1,603,514 alleles (0.0005%); highest among the groups gnomAD compares: Non-Finnish European, 0.00068%; no homozygotes.

Submission:

CeGaT Center for Human Genetics Tuebingen
Classification: Uncertain significance. Last evaluated: 2023-12-01. Review status: criteria provided, single submitter. Criteria: CeGaT Center For Human Genetics Tuebingen Variant Classification Criteria Version 2. Collection method: clinical testing. Allele origin: germline. Affected: yes. Observed: 1 variant allele.
Comment: BRD4: PM2

NM_001379291.1(BRD4):c.2464C>A (p.His822Asn)

Gene: BRD4 (bromodomain containing 4; minus strand). Cytogenetic location: 19p13.12.
Variant type: single nucleotide variant.
Coding change: c.2464C>A on transcript NM_001379291.1 (MANE Select); coding-DNA position 2464, C replaced by A.
Protein change: p.His822Asn; replaces histidine 822 with asparagine.
Molecular consequence: missense variant.
Genome position (GRCh38, 1-based): chr19:15,244,348, G>T on the plus strand (C>A on the coding strand, the complement: BRD4 is on the minus strand). VCF-style: chr19-15244348-G-T. GRCh37 (hg19) VCF-style: chr19-15355159-G-T.
Other names: c.2464C>A, p.His822Asn (NM_058243.3); short protein forms H822N.
Identifiers: ClinVar variation 3026240 (VCV003026240.22), dbSNP rs2512714858, ClinGen allele CA404507708.